The following is an entry in ClinVar:

NM_015021.3(ZNF292):c.5046G>C (p.Leu1682Phe)

Gene: ZNF292 (zinc finger protein 292; plus strand). Cytogenetic location: 6q14.3.
Variant type: single nucleotide variant.
Coding change: c.5046G>C on transcript NM_015021.3 (MANE Select); coding-DNA position 5046, G replaced by C.
Protein change: p.Leu1682Phe; replaces leucine 1682 with phenylalanine.
Molecular consequence: missense variant.
Genome position (GRCh38, 1-based): chr6:87,258,675, G>C. VCF-style: chr6-87258675-G-C. GRCh37 (hg19) VCF-style: chr6-87968393-G-C.
Other names: c.4626G>C, p.Leu1542Phe (NM_001351444.2); short protein forms L1542F, L1682F.
Identifiers: ClinVar variation 1316888 (VCV001316888.2), dbSNP rs2127868090, ClinGen allele CA364930920.

ClinVar aggregate classification (germline): Uncertain significance (1 of 4 stars; one submission).

Submission:

GeneDx
Classification: Uncertain significance. Last evaluated: 2020-03-06. Review status: criteria provided, single submitter. Criteria: GeneDx Variant Classification Process June 2021. Collection method: clinical testing. Allele origin: germline. Affected: yes.
Comment: Not observed in large population cohorts (Lek et al., 2016); In silico analysis supports that this missense variant does not alter protein structure/function; Has not been previously published as pathogenic or benign to our knowledge